The following is an entry in ClinVar:

NM_001848.3(COL6A1):c.2934G>A (p.Val978=)

Gene: COL6A1 (collagen type VI alpha 1 chain; plus strand). Cytogenetic location: 21q22.3.
Variant type: single nucleotide variant.
Coding change: c.2934G>A on transcript NM_001848.3 (MANE Select); coding-DNA position 2934, G replaced by A.
Protein change: p.Val978=; no amino-acid change (valine 978 retained).
Molecular consequence: synonymous variant.
Genome position (GRCh38, 1-based): chr21:46,003,860, G>A. VCF-style: chr21-46003860-G-A. GRCh37 (hg19) VCF-style: chr21-47423774-G-A.
Identifiers: ClinVar variation 4724291 (VCV004724291.1).

ClinVar aggregate classification (germline): Uncertain significance (1 of 4 stars; one submission).

Conditions:
Bethlem myopathy 1A. Also called: MYOPATHY, BENIGN CONGENITAL, WITH CONTRACTURES; Bethlem myopathy 1; Bethlem Muscular Dystrophy. Identifiers: Orphanet 610, MedGen CN029274, MONDO:0024530, OMIM 158810.

Submission:

Labcorp Genetics (formerly Invitae), Labcorp
Classification: Uncertain significance for Bethlem myopathy 1A. Last evaluated: 2025-07-29. Review status: criteria provided, single submitter. Criteria: Invitae Variant Classification Sherloc (09022015). Collection method: clinical testing. Allele origin: germline.
Comment: This sequence change affects codon 978 of the COL6A1 mRNA. It is a 'silent' change, meaning that it does not change the encoded amino acid sequence of the COL6A1 protein. This variant is not present in population databases (gnomAD no frequency). This variant has not been reported in the literature in individuals affected with COL6A1-related conditions. Algorithms developed to predict the effect of sequence changes on RNA splicing suggest that this variant may create or strengthen a splice site. In summary, the available evidence is currently insufficient to determine the role of this variant in disease. Therefore, it has been classified as a Variant of Uncertain Significance.